The following is an entry in ClinVar:

NM_182961.4(SYNE1):c.18460G>T (p.Gly6154Cys)

Gene: SYNE1 (spectrin repeat containing nuclear envelope protein 1; minus strand). Cytogenetic location: 6q25.2.
Variant type: single nucleotide variant.
Coding change: c.18460G>T on transcript NM_182961.4 (MANE Select); coding-DNA position 18460, G replaced by T.
Protein change: p.Gly6154Cys; replaces glycine 6154 with cysteine.
Molecular consequence: missense variant.
Genome position (GRCh38, 1-based): chr6:152,278,202, C>A on the plus strand (G>T on the coding strand, the complement: SYNE1 is on the minus strand). VCF-style: chr6-152278202-C-A. GRCh37 (hg19) VCF-style: chr6-152599337-C-A.
Other names: c.18247G>T, p.Gly6083Cys (NM_033071.5); short protein forms G6083C, G6154C.
Identifiers: ClinVar variation 1508765 (VCV001508765.6), dbSNP rs528094877, ClinGen allele CA4054972.

ClinVar aggregate classification (germline): Uncertain significance. Review status: criteria provided, multiple submitters, no conflicts (2 of 4 stars). 2 submissions from 2 submitters: Uncertain significance (2). Last evaluated 2022-08-09.

Conditions:
Emery-Dreifuss muscular dystrophy 4, autosomal dominant (EDMD4). Also called: EMERY-DREIFUSS MUSCULAR DYSTROPHY 4 WITH VARIABLE FEATURES. Identifiers: Orphanet 261, MedGen C2751807, MONDO:0013071, OMIM 612998.
Autosomal recessive ataxia, Beauce type. Also called: Spinocerebellar ataxia, autosomal recessive 8; ATAXIA, RECESSIVE, OF BEAUCE; SYNE1 Deficiency; SYNE1-Related Autosomal Recessive Cerebellar Ataxia. Identifiers: Orphanet 88644, MedGen C1853116, MONDO:0012549, OMIM 610743.

Allele frequency attached by ClinVar (database versions not stated): 1000 Genomes Project 30x 0.00016; 1000 Genomes Project 0.00020; ExAC 0.00001; gnomAD exomes 0.00001; TOPMed 0.00002; gnomAD 0.00003.
gnomAD v4.1: 11 of 1,614,164 alleles (0.00068%); highest among the groups gnomAD compares: Admixed American, 0.017%; no homozygotes.

Submissions (2):

Labcorp Genetics (formerly Invitae), Labcorp
Classification: Uncertain significance for Emery-Dreifuss muscular dystrophy 4, autosomal dominant; Autosomal recessive ataxia, Beauce type. Last evaluated: 2022-08-09. Review status: criteria provided, single submitter. Criteria: Invitae Variant Classification Sherloc (09022015). Collection method: clinical testing. Allele origin: germline.
Comment: This sequence change replaces glycine, which is neutral and non-polar, with cysteine, which is neutral and slightly polar, at codon 6083 of the SYNE1 protein (p.Gly6083Cys). This variant is present in population databases (rs528094877, gnomAD 0.006%). This variant has not been reported in the literature in individuals affected with SYNE1-related conditions. ClinVar contains an entry for this variant (Variation ID: 1508765). Algorithms developed to predict the effect of missense changes on protein structure and function (SIFT, PolyPhen-2, Align-GVGD) all suggest that this variant is likely to be disruptive. In summary, the available evidence is currently insufficient to determine the role of this variant in disease. Therefore, it has been classified as a Variant of Uncertain Significance.

Breakthrough Genomics
Classification: Uncertain significance. Review status: criteria provided, single submitter. Criteria: ACMG Guidelines, 2015. Collection method: not provided. Allele origin: germline. Inheritance: Autosomal recessive inheritance. Affected: yes.